The following is an entry in ClinVar:

NM_005476.7(GNE):c.*937G>A

Gene: GNE (glucosamine (UDP-N-acetyl)-2-epimerase/N-acetylmannosamine kinase; minus strand). Cytogenetic location: 9p13.3.
Variant type: single nucleotide variant.
Coding change: c.*937G>A on transcript NM_005476.7 (MANE Select); 937 bases downstream of the stop codon, G replaced by A.
Molecular consequence: 3 prime UTR variant.
Genome position (GRCh38, 1-based): chr9:36,216,428, C>T on the plus strand (G>A on the coding strand, the complement: GNE is on the minus strand). VCF-style: chr9-36216428-C-T. GRCh37 (hg19) VCF-style: chr9-36216425-C-T.
Other names: c.*937G>A (NM_001128227.3, NM_001190383.3, NM_001190384.3 and 3 more transcripts).
Identifiers: ClinVar variation 366824 (VCV000366824.6), dbSNP rs191229205, ClinGen allele CA10630069.

ClinVar aggregate classification (germline): Benign (1 of 4 stars; one submission).

Conditions:
Sialuria. Also called: SIALURIA, FRENCH TYPE; Sialic Acid Storage Disease. Identifiers: Orphanet 3166, MedGen C0342853, MONDO:0010028, OMIM 269921.

Allele frequency attached by ClinVar (database versions not stated): gnomAD exomes 0.00099; 1000 Genomes Project 0.01258; 1000 Genomes Project 30x 0.01421.

Submission:

Illumina Laboratory Services, Illumina
Classification: Benign for Sialuria. Last evaluated: 2018-01-13. Review status: criteria provided, single submitter. Criteria: ICSL Variant Classification Criteria 13 December 2019. Collection method: clinical testing. Allele origin: germline.
Comment: This variant was observed in the ICSL laboratory as part of a predisposition screen in an ostensibly healthy population. It had not been previously curated by ICSL or reported in the Human Gene Mutation Database (HGMD: prior to June 1st, 2018), and was therefore a candidate for classification through an automated scoring system. Utilizing variant allele frequency, disease prevalence and penetrance estimates, and inheritance mode, an automated score was calculated to assess if this variant is too frequent to cause the disease. Based on the score and internal cut-off values, a variant classified as benign is not then subjected to further curation. The score for this variant resulted in a classification of benign for this disease.